The following is an entry in ClinVar:

ClinVar aggregate classification (germline): Conflicting classifications of pathogenicity. Review status: criteria provided, conflicting classifications (1 of 4 stars). 3 submissions from 3 submitters: Likely pathogenic (1); Uncertain significance (2). Last evaluated 2022-06-10.

Conditions:
Stickler syndrome type 1 (STL1). Also called: COL2A1-Related Stickler Syndrome; ARTHROOPHTHALMOPATHY, HEREDITARY PROGRESSIVE; STICKLER SYNDROME, MEMBRANOUS VITREOUS TYPE; STICKLER SYNDROME, VITREOUS TYPE 1. Identifiers: Orphanet 828, Orphanet 90653, MedGen C2020284, MONDO:0007160, OMIM 108300.
Marfan syndrome (MFS). Also called: Marfan's syndrome; Marfan syndrome, classic; MARFAN SYNDROME, TYPE I; Marfan syndrome type 1; FBN1-Related Marfan Syndrome. Identifiers: Orphanet 284963, Orphanet 558, MedGen C0024796, MONDO:0007947, OMIM 154700.

Submissions (3):

MGZ Medical Genetics Center
Classification: Uncertain significance for Stickler syndrome type 1. Last evaluated: 2022-06-10. Review status: criteria provided, single submitter. Criteria: ACMG Guidelines, 2015. Collection method: clinical testing. Allele origin: germline. Affected: yes. Observed: 1 variant allele.
Comment: ACMG criteria applied: PM2_SUP, PP3

Labcorp Genetics (formerly Invitae), Labcorp
Classification: Uncertain significance. Last evaluated: 2022-06-07. Review status: criteria provided, single submitter. Criteria: Invitae Variant Classification Sherloc (09022015). Collection method: clinical testing. Allele origin: germline.
Comment: This sequence change falls in intron 48 of the COL2A1 gene. It does not directly change the encoded amino acid sequence of the COL2A1 protein. It affects a nucleotide within the consensus splice site. This variant is not present in population databases (gnomAD no frequency). This variant has been observed in individual(s) with Stickler syndrome (Invitae). Variants that disrupt the consensus splice site are a relatively common cause of aberrant splicing (PMID: 17576681, 9536098). Algorithms developed to predict the effect of sequence changes on RNA splicing suggest that this variant may disrupt the consensus splice site. In summary, the available evidence is currently insufficient to determine the role of this variant in disease. Therefore, it has been classified as a Variant of Uncertain Significance.

Centre of Medical Genetics, University Hospital Muenster
Classification: Likely pathogenic for Marfan syndrome. Last evaluated: 2022-05-13. Review status: criteria provided, single submitter. Criteria: ACMG Guidelines, 2015. Collection method: clinical testing. Allele origin: unknown. Affected: yes. Observed: 1 variant allele, 1 heterozygote.
Comment: ACMG categories: PM2,PM7,PP3,PP4

Literature cited by the submitters: PubMed 17576681 (cited by Labcorp Genetics (formerly Invitae), Labcorp); PubMed 9536098 (cited by Labcorp Genetics (formerly Invitae), Labcorp).

NM_001844.5(COL2A1):c.3435+4_3435+7del

Gene: COL2A1 (collagen type II alpha 1 chain; minus strand). Cytogenetic location: 12q13.11.
Variant type: Deletion.
Coding change: c.3435+4_3435+7del on transcript NM_001844.5 (MANE Select); bases 4 to 7 of the intron after coding-DNA position 3435, 4 bases deleted (AGTG; older notation c.3435+4_3435+7delAGTG).
Molecular consequence: splice donor variant.
Genome position (GRCh38, 1-based): chr12:47,976,805-47,976,808, CACT deleted on the plus strand (AGTG on the coding strand, the reverse complement: COL2A1 is on the minus strand); deleting any 4 consecutive bases within chr12:47,976,805-47,976,811 gives the same sequence; the c. name uses the placement nearest the transcript's 3' end. VCF-style (leftmost placement, unchanged base first): chr12-47976804-ACACT-A. GRCh37 (hg19) VCF-style: chr12-48370587-ACACT-A.
Other names: c.3228+4_3228+7del (NM_033150.3).
Identifiers: ClinVar variation 1708998 (VCV001708998.8), dbSNP rs2540105508, ClinGen allele CA2580085741.